The following is an entry in ClinVar:

NM_003803.4(MYOM1):c.430C>T (p.Arg144Cys)

Gene: MYOM1 (myomesin 1; minus strand). Cytogenetic location: 18p11.31.
Variant type: single nucleotide variant.
Coding change: c.430C>T on transcript NM_003803.4 (MANE Select); coding-DNA position 430, C replaced by T.
Protein change: p.Arg144Cys; replaces arginine 144 with cysteine.
Molecular consequence: missense variant.
Genome position (GRCh38, 1-based): chr18:3,193,819, G>A on the plus strand (C>T on the coding strand, the complement: MYOM1 is on the minus strand). VCF-style: chr18-3193819-G-A. GRCh37 (hg19) VCF-style: chr18-3193817-G-A.
Other names: c.430C>T, p.Arg144Cys (NM_019856.2); short protein forms R144C.
Identifiers: ClinVar variation 3718355 (VCV003718355.2).

ClinVar aggregate classification (germline): Uncertain significance (1 of 4 stars; one submission).

Conditions:
Hypertrophic cardiomyopathy. Also called: HYPERTROPHIC MYOCARDIOPATHY. Identifiers: Orphanet 217569, MedGen C0007194, MeSH D002312, MONDO:0005045, HP:0001639.

gnomAD v4.1: 17 of 1,611,752 alleles (0.0011%); highest among the groups gnomAD compares: African/African-American, 0.0067%; no homozygotes.

Submission:

Labcorp Genetics (formerly Invitae), Labcorp
Classification: Uncertain significance for Hypertrophic cardiomyopathy. Last evaluated: 2026-01-12. Review status: criteria provided, single submitter. Criteria: Invitae Variant Classification Sherloc (09022015). Collection method: clinical testing. Allele origin: germline.
Comment: This sequence change replaces arginine, which is basic and polar, with cysteine, which is neutral and slightly polar, at codon 144 of the MYOM1 protein (p.Arg144Cys). This variant is present in population databases (rs760518311, gnomAD 0.008%). This variant has not been reported in the literature in individuals affected with MYOM1-related conditions. ClinVar contains an entry for this variant (Variation ID: 3718355). An algorithm developed to predict the effect of missense changes on protein structure and function (PolyPhen-2) suggests that this variant is likely to be disruptive. In summary, the available evidence is currently insufficient to determine the role of this variant in disease. Therefore, it has been classified as a Variant of Uncertain Significance.